The following is an entry in ClinVar:

NM_194318.4(B3GLCT):c.781-3dup

Gene: B3GLCT (beta 3-glucosyltransferase; plus strand). Cytogenetic location: 13q12.3.
Variant type: Duplication.
Coding change: c.781-3dup on transcript NM_194318.4 (MANE Select); 3 bases into the intron before coding-DNA position 781, one base duplicated (T; older notation c.781-3dupT).
Molecular consequence: intron variant.
Genome position (GRCh38, 1-based): chr13:31,276,699, T duplicated; the last of 8 consecutive T bases (chr13:31,276,692-31,276,699); duplicating any one gives the same sequence. VCF-style (leftmost placement, unchanged base first): chr13-31276691-C-CT. GRCh37 (hg19) VCF-style: chr13-31850828-C-CT.
Other names: c.781-3dupT (NM_194318.4).
Identifiers: ClinVar variation 4849165 (VCV004849165.1).

ClinVar aggregate classification (germline): Uncertain significance (1 of 4 stars; one submission).

Submission:

Women's Health and Genetics/Laboratory Corporation of America, LabCorp
Classification: Uncertain significance. Last evaluated: 2026-04-22. Review status: criteria provided, single submitter. Criteria: LabCorp Variant Classification Summary - May 2015. Collection method: clinical testing. Allele origin: germline.
Comment: Variant summary: B3GLCT c.781-3dupT alters a conserved nucleotide located close to a canonical splice site and therefore could affect mRNA splicing, leading to a significantly altered protein sequence. Consensus agreement among computation tools predict no significant impact on normal splicing. However, these predictions have yet to be confirmed by functional studies. The frequency data for this variant in gnomAD is considered unreliable, as metrics indicate poor data quality at this position. To our knowledge, no occurrence of c.781-3dupT in individuals affected with B3GLCT-related conditions and no experimental evidence demonstrating its impact on protein function have been reported. No submitters have cited clinical-significance assessments for this variant to ClinVar. Based on the evidence outlined above, the variant was classified as uncertain significance.